The following is an entry in ClinVar:

ClinVar aggregate classification (germline): Pathogenic. Review status: criteria provided, multiple submitters, no conflicts (2 of 4 stars). 3 submissions from 3 submitters: Pathogenic (3). Last evaluated 2026-04-20.

Conditions:
Familial thoracic aortic aneurysm and aortic dissection (TAAD). Also called: Thoracic aortic aneurysms and dissections. Identifiers: Orphanet 91387, MedGen C4707243, MONDO:0019625.
Marfan syndrome (MFS). Also called: FBN1-Related Marfan Syndrome; Marfan's syndrome; MARFAN SYNDROME, TYPE I; Marfan syndrome type 1; Marfan syndrome, classic. Identifiers: Orphanet 284963, Orphanet 558, MedGen C0024796, MONDO:0007947, OMIM 154700.

Submissions (3):

Ambry Genetics
Classification: Pathogenic for Familial thoracic aortic aneurysm and aortic dissection. Last evaluated: 2026-04-20. Review status: criteria provided, single submitter. Criteria: Ambry Variant Classification Scheme 2023. Collection method: clinical testing. Allele origin: germline.
Comment: The p.Q227* pathogenic mutation (also known as c.679C>T), located in coding exon 6 of the FBN1 gene, results from a C to T substitution at nucleotide position 679. This changes the amino acid from a glutamine to a stop codon within coding exon 6. This variant was reported in individual(s) with features consistent with Marfan syndrome and related fibrillinopathies (Stheneur C et al. Eur J Hum Genet, 2009 Sep;17:1121-8; Duan DM et al. J Formos Med Assoc, 2022 Jun;121:1093-1101). This variant is considered to be rare based on population cohorts in the Genome Aggregation Database (gnomAD). This alteration is expected to result in loss of function by premature protein truncation or nonsense-mediated mRNA decay. As such, this alteration is interpreted as a disease-causing mutation.

Labcorp Genetics (formerly Invitae), Labcorp
Classification: Pathogenic for Marfan syndrome; Familial thoracic aortic aneurysm and aortic dissection. Last evaluated: 2025-07-07. Review status: criteria provided, single submitter. Criteria: Invitae Variant Classification Sherloc (09022015). Collection method: clinical testing. Allele origin: germline.
Comment: This sequence change creates a premature translational stop signal (p.Gln227*) in the FBN1 gene. It is expected to result in an absent or disrupted protein product. Loss-of-function variants in FBN1 are known to be pathogenic (PMID: 17657824, 19293843). This variant is not present in population databases (gnomAD no frequency). This premature translational stop signal has been observed in individual(s) with Marfan syndrome (PMID: 19293843). ClinVar contains an entry for this variant (Variation ID: 844924). For these reasons, this variant has been classified as Pathogenic.

Dasa
Classification: Pathogenic. Last evaluated: 2024-09-16. Review status: criteria provided, single submitter. Criteria: DASA Assertion Criteria. Collection method: clinical testing. Allele origin: germline.
Comment: NM_000138.5(FBN1):c.679C>T (p.Gln227*) introduces a premature termination codon predicted to result in loss of normal protein function. Loss-of-function is an established mechanism of disease for this gene. This variant has been reported in individuals with related phenotype (PMID: 19293843). Based on the available data, this variant is classified as pathogenic.

Literature cited by the submitters: PubMed 19293843 (cited by 3 submitters); PubMed 34456093 (cited by Ambry Genetics); PubMed 17657824 (cited by Labcorp Genetics (formerly Invitae), Labcorp).

NM_000138.5(FBN1):c.679C>T (p.Gln227Ter)

Gene: FBN1 (fibrillin 1; minus strand). Cytogenetic location: 15q21.1.
Variant type: single nucleotide variant.
Coding change: c.679C>T on transcript NM_000138.5 (MANE Select); coding-DNA position 679, C replaced by T.
Protein change: p.Gln227Ter; replaces glutamine 227 with a stop codon.
Molecular consequence: nonsense.
Genome position (GRCh38, 1-based): chr15:48,537,668, G>A on the plus strand (C>T on the coding strand, the complement: FBN1 is on the minus strand). VCF-style: chr15-48537668-G-A. GRCh37 (hg19) VCF-style: chr15-48829865-G-A.
Other names: short protein forms Q227*.
Identifiers: ClinVar variation 844924 (VCV000844924.11), dbSNP rs2044025100, ClinGen allele CA392445898.